The following is an entry in ClinVar:

ClinVar aggregate classification (germline): Likely benign. Review status: criteria provided, multiple submitters, no conflicts (2 of 4 stars). 3 submissions from 3 submitters: Likely benign (3). Last evaluated 2025-12-08.

Conditions:
Inborn genetic diseases. Identifiers: MedGen C0950123, MeSH D030342.

Allele frequency attached by ClinVar (database versions not stated): gnomAD 0.00005 and 0.00006; ExAC 0.00009; gnomAD exomes 0.00011; 1000 Genomes Project 30x 0.00031; 1000 Genomes Project 0.00040.

Submissions (3):

Labcorp Genetics (formerly Invitae), Labcorp
Classification: Likely benign. Last evaluated: 2025-12-08. Review status: criteria provided, single submitter. Criteria: Invitae Variant Classification Sherloc (09022015). Collection method: clinical testing. Allele origin: germline.

Mayo Clinic Laboratories, Mayo Clinic
Classification: Likely benign. Last evaluated: 2024-11-07. Review status: criteria provided, single submitter. Criteria: ACMG Guidelines, 2015. Collection method: clinical testing. Allele origin: germline. Observed: 1 variant allele.
Comment: BS1

Ambry Genetics
Classification: Likely benign for Inborn genetic diseases. Last evaluated: 2024-01-23. Review status: criteria provided, single submitter. Criteria: Ambry Variant Classification Scheme 2023. Collection method: clinical testing. Allele origin: germline.

NM_001205293.3(CACNA1E):c.4555A>G (p.Met1519Val)

Gene: CACNA1E (calcium voltage-gated channel subunit alpha1 E; plus strand). Cytogenetic location: 1q25.3.
Variant type: single nucleotide variant.
Coding change: c.4555A>G on transcript NM_001205293.3 (MANE Select); coding-DNA position 4555, A replaced by G.
Protein change: p.Met1519Val; replaces methionine 1519 with valine.
Molecular consequence: missense variant.
Genome position (GRCh38, 1-based): chr1:181,758,818, A>G. VCF-style: chr1-181758818-A-G. GRCh37 (hg19) VCF-style: chr1-181727954-A-G.
Other names: p.Met1519Val; c.4555A>G, p.Met1519Val (NM_000721.4); c.4498A>G, p.Met1500Val (NM_001205294.2); c.4555A>G (NM_001205293.1); short protein forms M1500V, M1519V.
Identifiers: ClinVar variation 1594011 (VCV001594011.10), dbSNP rs558577396, ClinGen allele CA1275871.